The following is an entry in ClinVar:

ClinVar aggregate classification (germline): Uncertain significance (1 of 4 stars; one submission).

Submission:

Labcorp Genetics (formerly Invitae), Labcorp
Classification: Uncertain significance. Last evaluated: 2021-04-21. Review status: criteria provided, single submitter. Criteria: Invitae Variant Classification Sherloc (09022015). Collection method: clinical testing. Allele origin: germline.
Comment: In summary, the available evidence is currently insufficient to determine the role of this variant in disease. Therefore, it has been classified as a Variant of Uncertain Significance. Algorithms developed to predict the effect of missense changes on protein structure and function are either unavailable or do not agree on the potential impact of this missense change (SIFT: "Not Available"; PolyPhen-2: "Probably Damaging"; Align-GVGD: "Not Available"). This variant has not been reported in the literature in individuals with ZMYM2-related conditions. This variant is not present in population databases (ExAC no frequency). This sequence change replaces glutamine with glutamic acid at codon 821 of the ZMYM2 protein (p.Gln821Glu). The glutamine residue is moderately conserved and there is a small physicochemical difference between glutamine and glutamic acid.

NM_197968.4(ZMYM2):c.2461C>G (p.Gln821Glu)

Gene: ZMYM2 (zinc finger MYM-type containing 2; plus strand). Cytogenetic location: 13q12.11.
Variant type: single nucleotide variant.
Coding change: c.2461C>G on transcript NM_197968.4 (MANE Select); coding-DNA position 2461, C replaced by G.
Protein change: p.Gln821Glu; replaces glutamine 821 with glutamic acid.
Molecular consequence: missense variant. On other transcripts: non-coding transcript variant (1).
Genome position (GRCh38, 1-based): chr13:20,052,279, C>G. VCF-style: chr13-20052279-C-G. GRCh37 (hg19) VCF-style: chr13-20626419-C-G.
Other names: c.2461C>G, p.Gln821Glu (NM_001190964.4, NM_001190965.4, NM_001353157.2 and 5 more transcripts); c.2266C>G, p.Gln756Glu (NM_001353161.3); c.2200C>G, p.Gln734Glu (NM_001353163.2); short protein forms Q734E, Q821E, Q756E.
Identifiers: ClinVar variation 1346480 (VCV001346480.6), dbSNP rs2140593104, ClinGen allele CA387460578.